The following is an entry in ClinVar:

NM_016373.4(WWOX):c.231-1G>C

Gene: WWOX (WW domain containing oxidoreductase; plus strand). Cytogenetic location: 16q23.1.
Variant type: single nucleotide variant.
Coding change: c.231-1G>C on transcript NM_016373.4 (MANE Select); the canonical splice acceptor site of the intron before coding-DNA position 231, G replaced by C.
Molecular consequence: splice acceptor variant.
Genome position (GRCh38, 1-based): chr16:78,114,975, G>C. VCF-style: chr16-78114975-G-C. GRCh37 (hg19) VCF-style: chr16-78148872-G-C.
Other names: c.-109-1G>C (NM_001291997.2); c.231-1G>C (NM_130791.5).
Identifiers: ClinVar variation 4813595 (VCV004813595.1).

ClinVar aggregate classification (germline): Pathogenic (1 of 4 stars; one submission).

Conditions:
Developmental and epileptic encephalopathy, 28 (DEE28). Also called: Epileptic encephalopathy, early infantile, 28. Identifiers: Orphanet 442835, MedGen C4015519, MONDO:0014533, OMIM 616211.

Submission:

Mendelics
Classification: Pathogenic for Developmental and epileptic encephalopathy, 28. Last evaluated: 2026-03-05. Review status: criteria provided, single submitter. Criteria: ACMG Guidelines, 2015. Collection method: clinical testing. Allele origin: unknown.
Comment: Likely pathogenic/Pathogenic according to ACMG criteria.